The following is an entry in ClinVar:

NM_004036.5(ADCY3):c.3429C>A (p.Asn1143Lys)

Genes: ADCY3 (adenylate cyclase 3; minus strand), CENPO (centromere protein O; plus strand). Cytogenetic location: 2p23.3.
Variant type: single nucleotide variant.
Coding change: c.3429C>A on transcript NM_004036.5 (MANE Select); coding-DNA position 3429, C replaced by A.
Protein change: p.Asn1143Lys; replaces asparagine 1143 with lysine.
Molecular consequence: missense variant. On other transcripts: 3 prime UTR variant (4), non-coding transcript variant (3).
Genome position (GRCh38, 1-based): chr2:24,819,938, G>T on the plus strand (C>A on the coding strand, the complement: ADCY3 is on the minus strand). VCF-style: chr2-24819938-G-T. GRCh37 (hg19) VCF-style: chr2-25042807-G-T.
Other names: c.3432C>A, p.Asn1144Lys (NM_001320613.2); c.3495C>A, p.Asn1165Lys (NM_001377128.1); c.3291C>A, p.Asn1097Lys (NM_001377129.1); c.*170C>A (NM_001377130.1); c.2706C>A, p.Asn902Lys (NM_001377131.1); c.3429C>A, p.Asn1143Lys (NM_001377132.1); c.*620G>T (NM_001199803.3, NM_001322101.2, NM_024322.4); short protein forms N1097K, N1143K, N1144K, N1165K, N902K.
Identifiers: ClinVar variation 3346917 (VCV003346917.1).
Genomic context (GRCh38, chr2:24,819,938, plus strand): 5'-TTTCAAAAAATAAATTCTCCCTTCCGGTTTGGACTGTTGCAGGCTCGAGGCCATTCAGGA[G>T]TTGTCCACCACCTGGTGGGGCAGTGTGACAGAGGGGCCATTGGGGAAGGTGGCTAGCTTA-3'
Protein context (NP_004027.2, residues 1133-1144): SVTLPHQVVD[Asn1143Lys]S

ClinVar aggregate classification (germline): Uncertain significance (0 of 4 stars; one submission).

Conditions:
ADCY3-related disorder. Also called: ADCY3-related condition.

Submission:

PreventionGenetics, part of Exact Sciences
Classification: Uncertain significance for ADCY3-related condition. Last evaluated: 2024-05-10. Review status: no assertion criteria provided. Collection method: clinical testing. Allele origin: germline.
Comment: The ADCY3 c.3432C>A variant is predicted to result in the amino acid substitution p.Asn1144Lys. To our knowledge, this variant has not been reported in the literature or in a large population database, indicating this variant is rare. At this time, the clinical significance of this variant is uncertain due to the absence of conclusive functional and genetic evidence.